The following is an entry in ClinVar:

ClinVar aggregate classification (germline): Likely pathogenic. Review status: criteria provided, multiple submitters, no conflicts (2 of 4 stars). 2 submissions from 2 submitters: Likely pathogenic (2). Last evaluated 2025-02-21.

Conditions:
Bilateral frontoparietal polymicrogyria. Also called: CORTICAL DYSPLASIA, COMPLEX, WITH OTHER BRAIN MALFORMATIONS 14A (BILATERAL FRONTOPARIETAL); CEREBELLAR ATAXIA WITH NEURONAL MIGRATION DEFECT. Identifiers: Orphanet 101070, MedGen C1847352, MONDO:0011738, OMIM 606854.

Submissions (2):

Natera, Inc.
Classification: Likely pathogenic for Bilateral frontoparietal polymicrogyria. Last evaluated: 2025-02-21. Review status: criteria provided, single submitter. Criteria: Natera Variant Classification Schema (03/2026). Collection method: clinical testing. Allele origin: germline.
Comment: The c.1168-8_1174del variant in ADGRG1 is a deletion affecting a canonical splice acceptor site. This variant is expected to result in nonsense mediated decay, truncation, or a dysfunctional protein product. This variant is rare in the general population with a frequency below the threshold expected for the associated phenotype(s). Given the available evidence, this variant is classified as Likely Pathogenic.

Labcorp Genetics (formerly Invitae), Labcorp
Classification: Likely pathogenic. Last evaluated: 2023-04-23. Review status: criteria provided, single submitter. Criteria: Invitae Variant Classification Sherloc (09022015). Collection method: clinical testing. Allele origin: germline.
Comment: In summary, the currently available evidence indicates that the variant is pathogenic, but additional data are needed to prove that conclusively. Therefore, this variant has been classified as Likely Pathogenic. Algorithms developed to predict the effect of sequence changes on RNA splicing suggest that this variant may disrupt the consensus splice site. This variant has not been reported in the literature in individuals affected with ADGRG1-related conditions. This variant is not present in population databases (gnomAD no frequency). This variant results in the deletion of part of exon 11 of the ADGRG1 gene. It is expected to disrupt RNA splicing. Variants that disrupt the donor or acceptor splice site typically lead to a loss of protein function (PMID: 16199547), and loss-of-function variants in ADGRG1 are known to be pathogenic (PMID: 15044805, 20929962).

Literature cited by the submitters: PubMed 16199547 (cited by Labcorp Genetics (formerly Invitae), Labcorp); PubMed 15044805 (cited by Labcorp Genetics (formerly Invitae), Labcorp); PubMed 20929962 (cited by Labcorp Genetics (formerly Invitae), Labcorp).

NM_201525.4(ADGRG1):c.1168-8_1174del

Gene: ADGRG1 (adhesion G protein-coupled receptor G1; plus strand). Cytogenetic location: 16q21.
Variant type: Deletion.
Coding change: c.1168-8_1174del on transcript NM_201525.4 (MANE Select); 8 bases into the intron before coding-DNA position 1168 through coding-DNA position 1174, 15 bases deleted (GGGGCCAGGTCTCCT).
Molecular consequence: splice acceptor variant.
Genome position (GRCh38, 1-based): chr16:57,657,365-57,657,379, GGGGCCAGGTCTCCT deleted; deleting any 15 consecutive bases within chr16:57,657,358-57,657,379 gives the same sequence; the c. name uses the placement nearest the transcript's 3' end. VCF-style (leftmost placement, unchanged base first): chr16-57657357-TGTCTCCTGGGGCCAG-T. GRCh37 (hg19) VCF-style: chr16-57691269-TGTCTCCTGGGGCCAG-T.
Other names: c.1168-8_1174del (NM_001370440.1, NM_001370428.1, NM_001370436.1 and 15 more transcripts); c.658-8_664del (NM_001290142.2); c.643-8_649del (NM_001370451.1, NM_001290143.2, NM_001370453.1 and 2 more transcripts); c.1165-8_1171del (NM_001370434.1, NM_001370441.1); c.1012-8_1018del (NM_001370442.1); c.1183-8_1189del (NM_001370433.1, NM_001145773.3).
Identifiers: ClinVar variation 2838901 (VCV002838901.5), dbSNP rs2545394587, ClinGen allele CA2633482313.